The following is an entry in ClinVar:

ClinVar aggregate classification (germline): Uncertain significance. Review status: criteria provided, multiple submitters, no conflicts (2 of 4 stars). 3 submissions from 3 submitters: Uncertain significance (2). 1 of the submissions does not count toward it. Last evaluated 2025-05-22.

Conditions:
Optic atrophy. Identifiers: MedGen C0029124, MONDO:0003608, HP:0000648.
Cataract 41 (CTRCT41). Also called: CATARACT 41, CONGENITAL NUCLEAR TYPE. Identifiers: Orphanet 91492, Orphanet 98991, Orphanet 98992, Orphanet 98995, MedGen C3805412, MONDO:0007287, OMIM 116400.
Wolfram-like syndrome. Also called: HEARING LOSS, PROGRESSIVE, WITH OPTIC ATROPHY AND/OR IMPAIRED GLUCOSE REGULATION. Identifiers: Orphanet 411590, MedGen C3280358, MONDO:0013673, OMIM 614296.
Type 2 diabetes mellitus. Also called: Type II diabetes mellitus. Identifiers: MedGen C0011860, MeSH D003924, MONDO:0005148, OMIM 125853, HP:0005978.
Wolfram syndrome 1 (WFS1). Identifiers: Orphanet 3463, MedGen C4551693, MONDO:0009101, OMIM 222300.
Autosomal dominant nonsyndromic hearing loss 6 (LFSNHL). Also called: DEAFNESS, AUTOSOMAL DOMINANT 6; DEAFNESS, AUTOSOMAL DOMINANT 14; DEAFNESS, AUTOSOMAL DOMINANT 38; Autosomal dominant nonsyndromic deafness 6. Identifiers: Orphanet 90635, MedGen C1833021, MONDO:0010963, OMIM 600965.

gnomAD v4.1: 12 of 1,612,784 alleles (0.00074%); highest among the groups gnomAD compares: South Asian, 0.0055%; no homozygotes.

Submissions (3):

GeneDx
Classification: Uncertain significance. Last evaluated: 2025-05-22. Review status: criteria provided, single submitter. Criteria: GeneDx Variant Classification Process June 2021. Collection method: clinical testing. Allele origin: germline.
Comment: In silico analysis suggests that this missense variant does not alter protein structure/function; Has not been previously published as pathogenic or benign to our knowledge

Fulgent Genetics
Classification: Uncertain significance for Cataract 41; Type 2 diabetes mellitus; Wolfram syndrome 1; Autosomal dominant nonsyndromic hearing loss 6; Wolfram-like syndrome. Last evaluated: 2024-04-19. Review status: criteria provided, single submitter. Criteria: ACMG Guidelines, 2015. Collection method: clinical testing. Allele origin: germline.

Institute of Human Genetics, Univ. Regensburg, Univ. Regensburg
Classification: Uncertain significance for Optic atrophy. Last evaluated: 2022-01-01. Review status: no assertion criteria provided. Criteria: ACMG Guidelines, 2015. Collection method: clinical testing. Allele origin: germline. Affected: yes. Not counted in ClinVar's aggregate classification.

NM_006005.3(WFS1):c.2260C>T (p.Leu754Phe)

Gene: WFS1 (wolframin ER transmembrane glycoprotein; plus strand). Cytogenetic location: 4p16.1.
Variant type: single nucleotide variant.
Coding change: c.2260C>T on transcript NM_006005.3 (MANE Select); coding-DNA position 2260, C replaced by T.
Protein change: p.Leu754Phe; replaces leucine 754 with phenylalanine.
Molecular consequence: missense variant.
Genome position (GRCh38, 1-based): chr4:6,302,055, C>T. VCF-style: chr4-6302055-C-T. GRCh37 (hg19) VCF-style: chr4-6303782-C-T.
Other names: c.2260C>T, p.Leu754Phe (NM_001145853.1); short protein forms L754F.
Identifiers: ClinVar variation 3250089 (VCV003250089.4).